The following is an entry in ClinVar:

NC_000019.10:g.(?_41397818)_(41414167_?)del

Gene: BCKDHA (branched chain keto acid dehydrogenase E1 subunit alpha; plus strand). Cytogenetic location: 19q13.2.
Variant type: Deletion.
Identifiers: ClinVar variation 832142 (VCV000832142.5).

ClinVar aggregate classification (germline): Pathogenic (1 of 4 stars; one submission).

Conditions:
Maple syrup urine disease (MSUD). Identifiers: Orphanet 511, MedGen C0024776, MeSH D008375, MONDO:0009563. Disease mechanism: loss of function.

Submission:

Labcorp Genetics (formerly Invitae), Labcorp
Classification: Pathogenic for Maple syrup urine disease. Last evaluated: 2022-11-30. Review status: criteria provided, single submitter. Criteria: Invitae Variant Classification Sherloc (09022015). Collection method: clinical testing. Allele origin: germline.
Comment: For these reasons, this variant has been classified as Pathogenic. This variant has not been reported in the literature in individuals affected with BCKDHA-related conditions. This variant is a gross deletion of the genomic region encompassing exon(s) 1-4 of the BCKDHA gene, which includes the initiator codon. This deletion extends beyond the assayed region for this gene and therefore may encompass additional genes. It is expected to result in an absent or disrupted protein product. Loss-of-function variants in BCKDHA are known to be pathogenic (PMID: 16786533, 22593002).

Literature cited by the submitters: PubMed 16786533; PubMed 22593002.